The following is an entry in ClinVar:

ClinVar aggregate classification (germline): Benign/Likely benign. Review status: criteria provided, multiple submitters, no conflicts (2 of 4 stars). 6 submissions from 6 submitters: Benign (2); Likely benign (2). 2 of the submissions do not count toward it. Last evaluated 2026-06-01.

Conditions:
concomitant exotropia.
COL4A2-related disorder. Also called: COL4A2-related disorders; COL4A2-related condition.
Brain small vessel disease 2A, autosomal dominant. Also called: Porencephaly 2. Identifiers: Orphanet 2940, Orphanet 99810, MedGen C3280970, MONDO:0013773, OMIM 614483.

Allele frequency attached by ClinVar (database versions not stated): gnomAD 0.00043 and 0.00060; TOPMed 0.00053; ExAC 0.00112; gnomAD exomes 0.00126; 1000 Genomes Project 0.00220; 1000 Genomes Project 30x 0.00234.
gnomAD v4.1: 557 of 1,613,884 alleles (0.035%); highest among the groups gnomAD compares: East Asian, 0.98%; 5 homozygotes.

Submissions (6):

CeGaT Center for Human Genetics Tuebingen
Classification: Likely benign. Last evaluated: 2026-06-01. Review status: criteria provided, single submitter. Criteria: CeGaT Center For Human Genetics Tuebingen Variant Classification Criteria Version 2. Collection method: clinical testing. Allele origin: germline. Affected: yes. Observed: 1 variant allele.
Comment: COL4A2: BS1

Labcorp Genetics (formerly Invitae), Labcorp
Classification: Benign. Last evaluated: 2025-11-03. Review status: criteria provided, single submitter. Criteria: Invitae Variant Classification Sherloc (09022015). Collection method: clinical testing. Allele origin: germline.

Blueprint Genetics
Classification: Likely benign. Last evaluated: 2024-11-18. Review status: criteria provided, single submitter. Criteria: ACMG Guidelines, 2015. Collection method: clinical testing. Allele origin: germline.

Illumina Laboratory Services, Illumina
Classification: Benign for Brain small vessel disease 2A, autosomal dominant. Last evaluated: 2018-01-12. Review status: criteria provided, single submitter. Criteria: ICSL Variant Classification Criteria 13 December 2019. Collection method: clinical testing. Allele origin: germline.
Comment: This variant was observed in the ICSL laboratory as part of a predisposition screen in an ostensibly healthy population. It had not been previously curated by ICSL or reported in the Human Gene Mutation Database (HGMD: prior to June 1st, 2018), and was therefore a candidate for classification through an automated scoring system. Utilizing variant allele frequency, disease prevalence and penetrance estimates, and inheritance mode, an automated score was calculated to assess if this variant is too frequent to cause the disease. Based on the score and internal cut-off values, a variant classified as benign is not then subjected to further curation. The score for this variant resulted in a classification of benign for this disease.

Ophthalmology Lab, The First People's Hospital of Yunnan Provience
Classification: Likely pathogenic for concomitant exotropia. Last evaluated: 2024-08-30. Review status: no assertion criteria provided. Collection method: clinical testing. Allele origin: inherited. Affected: yes. Observed: 3 variant alleles. Not counted in ClinVar's aggregate classification.
Comment: Dominant inheritance. Four mutations of the COL4A2 gene were coisolated in three pedigree members. COL4A2 (collagen type IV alpha 2 chain) is a protein-coding gene associated with brain small vessel disease and intracerebral hemorrhage. Among its related pathways are the integrin pathway and nervous system development. Interestingly, ophthalmic diseases associated with COL4A2 mutations include keratoconus, ocular anterior segment dysgenesis, and nonarteritic anterior ischemic optic neuropathy. Neri et al described a novel COL4A2 mutation presenting with epilepsy and cortical development malformations, and the phenotype included strabismus. In our study, this gene was screened in all three pedigrees with different mutation sites.

PreventionGenetics, part of Exact Sciences
Classification: Benign for COL4A2-related condition. Last evaluated: 2019-06-28. Review status: no assertion criteria provided. Collection method: clinical testing. Allele origin: germline. Not counted in ClinVar's aggregate classification.
Comment: This variant is classified as benign based on ACMG/AMP sequence variant interpretation guidelines (Richards et al. 2015 PMID: 25741868, with internal and published modifications).

NM_001846.4(COL4A2):c.1328C>G (p.Pro443Arg)

Gene: COL4A2 (collagen type IV alpha 2 chain; plus strand). Cytogenetic location: 13q34.
Variant type: single nucleotide variant.
Coding change: c.1328C>G on transcript NM_001846.4 (MANE Select); coding-DNA position 1328, C replaced by G.
Protein change: p.Pro443Arg; replaces proline 443 with arginine.
Molecular consequence: missense variant.
Genome position (GRCh38, 1-based): chr13:110,450,443, C>G. VCF-style: chr13-110450443-C-G. GRCh37 (hg19) VCF-style: chr13-111102790-C-G.
Other names: short protein forms P443R.
Identifiers: ClinVar variation 311124 (VCV000311124.19), dbSNP rs192250572, ClinGen allele CA7049377.